The following is an entry in ClinVar:

ClinVar aggregate classification (germline): Uncertain significance. Review status: criteria provided, single submitter (1 of 4 stars). 2 submissions from 2 submitters: Uncertain significance (1). 1 of the submissions does not count toward it. Last evaluated 2021-06-15.

Conditions:
Inborn genetic diseases. Identifiers: MedGen C0950123, MeSH D030342.
MAGED2-related disorder. Also called: MAGED2-related condition.

Allele frequency attached by ClinVar (database versions not stated): gnomAD exomes 0.00004; gnomAD 0.00005; ExAC 0.00022.
gnomAD v4.1: 50 of 1,201,594 alleles (0.0042%); highest among the groups gnomAD compares: Admixed American, 0.1%; no homozygotes.

Submissions (2):

Ambry Genetics
Classification: Uncertain significance for Inborn genetic diseases. Last evaluated: 2021-06-15. Review status: criteria provided, single submitter. Criteria: Ambry Variant Classification Scheme 2023. Collection method: clinical testing. Allele origin: germline.

PreventionGenetics, part of Exact Sciences
Classification: Likely benign for MAGED2-related condition. Last evaluated: 2023-04-09. Review status: no assertion criteria provided. Collection method: clinical testing. Allele origin: germline. Not counted in ClinVar's aggregate classification.
Comment: This variant is classified as likely benign based on ACMG/AMP sequence variant interpretation guidelines (Richards et al. 2015 PMID: 25741868, with internal and published modifications).

NM_177433.3(MAGED2):c.449C>A (p.Ala150Glu)

Gene: MAGED2 (MAGE family member D2; plus strand). Cytogenetic location: Xp11.21.
Variant type: single nucleotide variant.
Coding change: c.449C>A on transcript NM_177433.3 (MANE Select); coding-DNA position 449, C replaced by A.
Protein change: p.Ala150Glu; replaces alanine 150 with glutamic acid.
Molecular consequence: missense variant.
Genome position (GRCh38, 1-based): chrX:54,810,125, C>A. VCF-style: chrX-54810125-C-A. GRCh37 (hg19) VCF-style: chrX-54836558-C-A.
Other names: c.449C>A, p.Ala150Glu (NM_014599.6, NM_201222.3); short protein forms A150E.
Identifiers: ClinVar variation 2331618 (VCV002331618.4), dbSNP rs779453522, ClinGen allele CA10426677.